The following is an entry in ClinVar:

NM_000051.4(ATM):c.2486C>G (p.Pro829Arg)

Gene: ATM (ATM serine/threonine kinase; plus strand). Cytogenetic location: 11q22.3.
Variant type: single nucleotide variant.
Coding change: c.2486C>G on transcript NM_000051.4 (MANE Select); coding-DNA position 2486, C replaced by G.
Protein change: p.Pro829Arg; replaces proline 829 with arginine.
Molecular consequence: missense variant.
Genome position (GRCh38, 1-based): chr11:108,267,190, C>G. VCF-style: chr11-108267190-C-G. GRCh37 (hg19) VCF-style: chr11-108137917-C-G.
Other names: c.2486C>G, p.Pro829Arg (NM_001351834.2); short protein forms P829R.
Identifiers: ClinVar variation 2696040 (VCV002696040.3), dbSNP rs1565416001, ClinGen allele CA382543226.

ClinVar aggregate classification (germline): Uncertain significance (1 of 4 stars; one submission).

Conditions:
Ataxia-telangiectasia syndrome (AT). Also called: Cerebello-oculocutaneous telangiectasia; Immunodeficiency with ataxia telangiectasia; Ataxia-telangiectasia, complementation group E; LOUIS-BAR SYNDROME; Ataxia telangiectasia (A-T); AT, COMPLEMENTATION GROUP C. Identifiers: Orphanet 100, MedGen C0004135, MONDO:0008840, OMIM 208900.

Submission:

Labcorp Genetics (formerly Invitae), Labcorp
Classification: Uncertain significance for Ataxia-telangiectasia syndrome. Last evaluated: 2023-11-15. Review status: criteria provided, single submitter. Criteria: Invitae Variant Classification Sherloc (09022015). Collection method: clinical testing. Allele origin: germline.
Comment: This sequence change replaces proline, which is neutral and non-polar, with arginine, which is basic and polar, at codon 829 of the ATM protein (p.Pro829Arg). This variant is not present in population databases (gnomAD no frequency). This variant has not been reported in the literature in individuals affected with ATM-related conditions. An algorithm developed to predict the effect of missense changes on protein structure and function (PolyPhen-2) suggests that this variant is likely to be tolerated. In summary, the available evidence is currently insufficient to determine the role of this variant in disease. Therefore, it has been classified as a Variant of Uncertain Significance.